The following is an entry in ClinVar:

NM_000143.4(FH):c.740A>G (p.Glu247Gly)

Gene: FH (fumarate hydratase; minus strand). Cytogenetic location: 1q43.
Variant type: single nucleotide variant.
Coding change: c.740A>G on transcript NM_000143.4 (MANE Select); coding-DNA position 740, A replaced by G.
Protein change: p.Glu247Gly; replaces glutamic acid 247 with glycine.
Molecular consequence: missense variant.
Genome position (GRCh38, 1-based): chr1:241,506,167, T>C on the plus strand (A>G on the coding strand, the complement: FH is on the minus strand). VCF-style: chr1-241506167-T-C. GRCh37 (hg19) VCF-style: chr1-241669467-T-C.
Other names: short protein forms E247G.
Identifiers: ClinVar variation 1758771 (VCV001758771.3), dbSNP rs201223034, ClinGen allele CA345439126.

ClinVar aggregate classification (germline): Uncertain significance (1 of 4 stars; one submission).

Conditions:
Hereditary cancer-predisposing syndrome. Also called: Tumor predisposition; Hereditary Cancer Syndrome; Hereditary neoplastic syndrome; Neoplastic Syndromes, Hereditary. Identifiers: Orphanet 140162, MedGen C0027672, MeSH D009386, MONDO:0015356.

Submission:

Ambry Genetics
Classification: Uncertain significance for Hereditary cancer-predisposing syndrome. Last evaluated: 2026-01-30. Review status: criteria provided, single submitter. Criteria: Ambry Variant Classification Scheme 2023. Collection method: clinical testing. Allele origin: germline.
Comment: The p.E247G variant (also known as c.740A>G), located in coding exon 6 of the FH gene, results from an A to G substitution at nucleotide position 740. The glutamic acid at codon 247 is replaced by glycine, an amino acid with similar properties. This amino acid position is highly conserved in available vertebrate species. In addition, this alteration is predicted to be deleterious by in silico analysis. Based on the available evidence, the clinical significance of this variant remains unclear.